The following is an entry in ClinVar:

NM_030665.4(RAI1):c.4216A>G (p.Arg1406Gly)

Gene: RAI1 (retinoic acid induced 1; plus strand). Cytogenetic location: 17p11.2.
Variant type: single nucleotide variant.
Coding change: c.4216A>G on transcript NM_030665.4 (MANE Select); coding-DNA position 4216, A replaced by G.
Protein change: p.Arg1406Gly; replaces arginine 1406 with glycine.
Molecular consequence: missense variant.
Genome position (GRCh38, 1-based): chr17:17,797,164, A>G. VCF-style: chr17-17797164-A-G. GRCh37 (hg19) VCF-style: chr17-17700478-A-G.
Other names: short protein forms R1406G.
Identifiers: ClinVar variation 3767467 (VCV003767467.1).

ClinVar aggregate classification (germline): Uncertain significance (1 of 4 stars; one submission).

Submission:

GeneDx
Classification: Uncertain significance. Last evaluated: 2024-09-06. Review status: criteria provided, single submitter. Criteria: GeneDx Variant Classification Process June 2021. Collection method: clinical testing. Allele origin: germline. Affected: yes.
Comment: Not observed at significant frequency in large population cohorts (gnomAD); In silico analysis supports that this missense variant has a deleterious effect on protein structure/function; Has not been previously published as pathogenic or benign to our knowledge